The following is an entry in ClinVar:

ClinVar aggregate classification (germline): Uncertain significance. Review status: criteria provided, multiple submitters, no conflicts (2 of 4 stars). 2 submissions from 2 submitters: Uncertain significance (2). Last evaluated 2024-06-21.

Conditions:
Hereditary cancer-predisposing syndrome. Also called: Hereditary Cancer Syndrome; Neoplastic Syndromes, Hereditary; Tumor predisposition; Hereditary neoplastic syndrome. Identifiers: Orphanet 140162, MedGen C0027672, MeSH D009386, MONDO:0015356.
Retinoblastoma (RB1). Also called: RETINOBLASTOMA, SOMATIC. Identifiers: Orphanet 790, MedGen C0035335, MeSH D012175, MONDO:0008380, OMIM 180200, HP:0009919. Disease mechanism: loss of function. Inheritance: Both sporadic and heritable forms are tested..

Submissions (2):

Ambry Genetics
Classification: Uncertain significance for Hereditary cancer-predisposing syndrome. Last evaluated: 2024-06-21. Review status: criteria provided, single submitter. Criteria: Ambry Variant Classification Scheme 2023. Collection method: clinical testing. Allele origin: germline.
Comment: The p.I324T variant (also known as c.971T>C), located in coding exon 10 of the RB1 gene, results from a T to C substitution at nucleotide position 971. The isoleucine at codon 324 is replaced by threonine, an amino acid with similar properties. This amino acid position is conserved. In addition, the in silico prediction for this alteration is inconclusive. Based on the available evidence, the clinical significance of this variant remains unclear.

Labcorp Genetics (formerly Invitae), Labcorp
Classification: Uncertain significance for Retinoblastoma. Last evaluated: 2022-07-15. Review status: criteria provided, single submitter. Criteria: Invitae Variant Classification Sherloc (09022015). Collection method: clinical testing. Allele origin: germline.
Comment: In summary, the available evidence is currently insufficient to determine the role of this variant in disease. Therefore, it has been classified as a Variant of Uncertain Significance. Algorithms developed to predict the effect of missense changes on protein structure and function are either unavailable or do not agree on the potential impact of this missense change (SIFT: "Deleterious"; PolyPhen-2: "Benign"; Align-GVGD: "Class C25"). This variant has not been reported in the literature in individuals affected with RB1-related conditions. This variant is not present in population databases (gnomAD no frequency). This sequence change replaces isoleucine, which is neutral and non-polar, with threonine, which is neutral and polar, at codon 324 of the RB1 protein (p.Ile324Thr).

NM_000321.3(RB1):c.971T>C (p.Ile324Thr)

Gene: RB1 (RB transcriptional corepressor 1; plus strand). Cytogenetic location: 13q14.2.
Variant type: single nucleotide variant.
Coding change: c.971T>C on transcript NM_000321.3 (MANE Select); coding-DNA position 971, T replaced by C.
Protein change: p.Ile324Thr; replaces isoleucine 324 with threonine.
Molecular consequence: missense variant.
Genome position (GRCh38, 1-based): chr13:48,367,525, T>C. VCF-style: chr13-48367525-T-C. GRCh37 (hg19) VCF-style: chr13-48941661-T-C.
Other names: c.971T>C, p.Ile324Thr (NM_001407165.1, NM_001407166.1); short protein forms I324T.
Identifiers: ClinVar variation 2185663 (VCV002185663.5), dbSNP rs2138121115, ClinGen allele CA388160674.